The following is an entry in ClinVar:

NM_001144967.3(NEDD4L):c.1151C>T (p.Thr384Met)

Gene: NEDD4L (NEDD4 like E3 ubiquitin protein ligase; plus strand). Cytogenetic location: 18q21.31.
Variant type: single nucleotide variant.
Coding change: c.1151C>T on transcript NM_001144967.3 (MANE Select); coding-DNA position 1151, C replaced by T.
Protein change: p.Thr384Met; replaces threonine 384 with methionine.
Molecular consequence: missense variant. On other transcripts: intron variant (1).
Genome position (GRCh38, 1-based): chr18:58,341,063, C>T. VCF-style: chr18-58341063-C-T. GRCh37 (hg19) VCF-style: chr18-56008295-C-T.
Other names: c.788C>T, p.Thr263Met (NM_001144964.1, NM_001144965.2, NM_001144966.3); c.1127C>T, p.Thr376Met (NM_001144968.2); c.1067C>T, p.Thr356Met (NM_001144969.2); c.728C>T, p.Thr243Met (NM_001144970.3, NM_001144971.2); c.1091C>T, p.Thr364Met (NM_015277.6); c.1066-615C>T (NM_001243960.2); c.1091C>T (NM_015277.5); short protein forms T384M, T243M, T263M, T356M, T364M, T376M.
Identifiers: ClinVar variation 1936063 (VCV001936063.7), dbSNP rs370254467, ClinGen allele CA8975602.

ClinVar aggregate classification (germline): Uncertain significance. Review status: criteria provided, multiple submitters, no conflicts (2 of 4 stars). 3 submissions from 3 submitters: Uncertain significance (2). 1 of the submissions does not count toward it. Last evaluated 2024-09-30.

Conditions:
NEDD4L-related disorder. Also called: NEDD4L-related condition.
Inborn genetic diseases. Identifiers: MedGen C0950123, MeSH D030342.

Allele frequency attached by ClinVar (database versions not stated): gnomAD exomes below 0.00001; ExAC 0.00001; gnomAD 0.00001; TOPMed 0.00001; ESP Exome Variant Server 0.00008.
gnomAD v4.1: 6 of 1,610,580 alleles (0.00037%); highest among the groups gnomAD compares: East Asian, 0.0022%; no homozygotes.

Submissions (3):

Ambry Genetics
Classification: Uncertain significance for Inborn genetic diseases. Last evaluated: 2024-09-30. Review status: criteria provided, single submitter. Criteria: Ambry Variant Classification Scheme 2023. Collection method: clinical testing. Allele origin: germline.

Labcorp Genetics (formerly Invitae), Labcorp
Classification: Uncertain significance. Last evaluated: 2022-06-02. Review status: criteria provided, single submitter. Criteria: Invitae Variant Classification Sherloc (09022015). Collection method: clinical testing. Allele origin: germline.
Comment: Algorithms developed to predict the effect of missense changes on protein structure and function are either unavailable or do not agree on the potential impact of this missense change (SIFT: "Deleterious"; PolyPhen-2: "Probably Damaging"; Align-GVGD: "Class C0"). In summary, the available evidence is currently insufficient to determine the role of this variant in disease. Therefore, it has been classified as a Variant of Uncertain Significance. This variant has not been reported in the literature in individuals affected with NEDD4L-related conditions. This variant is present in population databases (rs370254467, gnomAD 0.004%). This sequence change replaces threonine, which is neutral and polar, with methionine, which is neutral and non-polar, at codon 364 of the NEDD4L protein (p.Thr364Met).

PreventionGenetics, part of Exact Sciences
Classification: Uncertain significance for NEDD4L-related condition. Last evaluated: 2024-07-30. Review status: no assertion criteria provided. Collection method: clinical testing. Allele origin: germline. Not counted in ClinVar's aggregate classification.
Comment: The NEDD4L c.1091C>T variant is predicted to result in the amino acid substitution p.Thr364Met. To our knowledge, this variant has not been reported in the literature. This variant is reported in 0.0040% of alleles in individuals of European (Finnish) descent in gnomAD. At this time, the clinical significance of this variant is uncertain due to the absence of conclusive functional and genetic evidence.